The following is an entry in ClinVar:

NM_000548.5(TSC2):c.975+6G>A

Gene: TSC2 (TSC complex subunit 2; plus strand). Cytogenetic location: 16p13.3.
Variant type: single nucleotide variant.
Coding change: c.975+6G>A on transcript NM_000548.5 (MANE Select); 6 bases into the intron after coding-DNA position 975, G replaced by A.
Molecular consequence: intron variant.
Genome position (GRCh38, 1-based): chr16:2,058,879, G>A. VCF-style: chr16-2058879-G-A. GRCh37 (hg19) VCF-style: chr16-2108880-G-A.
Other names: c.-457+6G>A (NM_001406693.1, NM_001406689.1, NM_001406690.1 and 4 more transcripts); c.1065+6G>A (NM_001406667.1, NM_001406668.1); c.375+6G>A (NM_001406680.1, NM_001406683.1, NM_001406687.1 and 6 more transcripts); c.-633+6G>A (NM_001406698.1); c.975+6G>A (NM_001114382.3, NM_001406663.1, NM_001406664.1 and 6 more transcripts); c.-338+6G>A (NM_001406694.1, NM_001406695.1); c.963+6G>A (NM_001406671.1, NM_001406673.1); c.513+6G>A (NM_001406681.1); and 4 more.
Identifiers: ClinVar variation 2850032 (VCV002850032.3), dbSNP rs2151110322, ClinGen allele CA2631087002.

ClinVar aggregate classification (germline): Uncertain significance (1 of 4 stars; one submission).

Conditions:
Tuberous sclerosis 2 (TSC2). Identifiers: Orphanet 805, MedGen C1860707, MONDO:0013199, OMIM 613254.

Submission:

Labcorp Genetics (formerly Invitae), Labcorp
Classification: Uncertain significance for Tuberous sclerosis 2. Last evaluated: 2023-03-27. Review status: criteria provided, single submitter. Criteria: Invitae Variant Classification Sherloc (09022015). Collection method: clinical testing. Allele origin: germline.
Comment: In summary, the available evidence is currently insufficient to determine the role of this variant in disease. Therefore, it has been classified as a Variant of Uncertain Significance. Variants that disrupt the consensus splice site are a relatively common cause of aberrant splicing (PMID: 17576681, 9536098). Algorithms developed to predict the effect of sequence changes on RNA splicing suggest that this variant is not likely to affect RNA splicing. This variant has not been reported in the literature in individuals affected with TSC2-related conditions. This variant is not present in population databases (gnomAD no frequency). This sequence change falls in intron 10 of the TSC2 gene. It does not directly change the encoded amino acid sequence of the TSC2 protein. It affects a nucleotide within the consensus splice site.

Literature cited by the submitters: PubMed 17576681; PubMed 9536098.